The following is an entry in ClinVar:

ClinVar aggregate classification (germline): Uncertain significance (1 of 4 stars; one submission).

Allele frequency attached by ClinVar (database versions not stated): gnomAD exomes 0.00001.
gnomAD v4.1: 7 of 1,576,114 alleles (0.00044%); highest among the groups gnomAD compares: Non-Finnish European, 0.0006%; no homozygotes.

Submission:

Labcorp Genetics (formerly Invitae), Labcorp
Classification: Uncertain significance. Last evaluated: 2022-06-05. Review status: criteria provided, single submitter. Criteria: Invitae Variant Classification Sherloc (09022015). Collection method: clinical testing. Allele origin: germline.
Comment: This variant is not present in population databases (gnomAD no frequency). This sequence change replaces isoleucine, which is neutral and non-polar, with valine, which is neutral and non-polar, at codon 483 of the IFT74 protein (p.Ile483Val). This variant has not been reported in the literature in individuals affected with IFT74-related conditions. In summary, the available evidence is currently insufficient to determine the role of this variant in disease. Therefore, it has been classified as a Variant of Uncertain Significance. Algorithms developed to predict the effect of sequence changes on RNA splicing suggest that this variant may create or strengthen a splice site. Algorithms developed to predict the effect of missense changes on protein structure and function (SIFT, PolyPhen-2, Align-GVGD) all suggest that this variant is likely to be tolerated. ClinVar contains an entry for this variant (Variation ID: 1488607).

NM_025103.4(IFT74):c.1447A>G (p.Ile483Val)

Gene: IFT74 (intraflagellar transport 74; plus strand). Cytogenetic location: 9p21.2.
Variant type: single nucleotide variant.
Coding change: c.1447A>G on transcript NM_025103.4 (MANE Select); coding-DNA position 1447, A replaced by G.
Protein change: p.Ile483Val; replaces isoleucine 483 with valine.
Molecular consequence: missense variant.
Genome position (GRCh38, 1-based): chr9:27,055,722, A>G. VCF-style: chr9-27055722-A-G. GRCh37 (hg19) VCF-style: chr9-27055720-A-G.
Other names: c.1447A>G, p.Ile483Val (NM_001099222.3, NM_001099223.3, NM_001349928.2); short protein forms I483V.
Identifiers: ClinVar variation 1488607 (VCV001488607.5), dbSNP rs2131703141, ClinGen allele CA373128270.
Genomic context (GRCh38, chr9:27,055,722, plus strand): 5'-ATGACTGAAGAACAGCATTCTCTAAAAAGCAAAATTAAGCAAATGACAACTGATCTGGAG[A>G]TATATAATGATTTGCCAGCTTTAAAATCATCAGGTGAAGAAAAGATAAAGGTAAATGTTA-3'
Protein context (NP_079379.2, residues 473-493): KIKQMTTDLE[Ile483Val]YNDLPALKSS